The following is an entry in ClinVar:

ClinVar aggregate classification (germline): Likely pathogenic (1 of 4 stars; one submission).

Submission:

GeneDx
Classification: Likely pathogenic. Last evaluated: 2025-07-16. Review status: criteria provided, single submitter. Criteria: GeneDx Variant Classification Process June 2021. Collection method: clinical testing. Allele origin: germline. Affected: yes.
Comment: Not observed at significant frequency in large population cohorts (gnomAD); Missense variants in this gene are a common cause of disease and they are underrepresented in the general population; In silico analysis supports that this missense variant has a deleterious effect on protein structure/function; Has not been previously published as pathogenic or benign to our knowledge

NM_001101.5(ACTB):c.915G>A (p.Met305Ile)

Gene: ACTB (actin beta; minus strand). Cytogenetic location: 7p22.1.
Variant type: single nucleotide variant.
Coding change: c.915G>A on transcript NM_001101.5 (MANE Select); coding-DNA position 915, G replaced by A.
Protein change: p.Met305Ile; replaces methionine 305 with isoleucine.
Molecular consequence: missense variant.
Genome position (GRCh38, 1-based): chr7:5,528,073, C>T on the plus strand (G>A on the coding strand, the complement: ACTB is on the minus strand). VCF-style: chr7-5528073-C-T. GRCh37 (hg19) VCF-style: chr7-5567704-C-T.
Other names: short protein forms M305I.
Identifiers: ClinVar variation 4686181 (VCV004686181.1).